The following is an entry in ClinVar:

NM_001130004.2(ACTN1):c.1106G>A (p.Gly369Asp)

Gene: ACTN1 (actinin alpha 1; minus strand). Cytogenetic location: 14q24.1.
Variant type: single nucleotide variant.
Coding change: c.1106G>A on transcript NM_001130004.2 (MANE Select); coding-DNA position 1106, G replaced by A.
Protein change: p.Gly369Asp; replaces glycine 369 with aspartic acid.
Molecular consequence: missense variant.
Genome position (GRCh38, 1-based): chr14:68,890,267, C>T on the plus strand (G>A on the coding strand, the complement: ACTN1 is on the minus strand). VCF-style: chr14-68890267-C-T. GRCh37 (hg19) VCF-style: chr14-69356984-C-T.
Other names: c.1106G>A, p.Gly369Asp (NM_001102.4, NM_001130005.2, NM_001411035.1 and 9 more transcripts); c.911G>A, p.Gly304Asp (NM_001411036.1, NM_001424026.1, NM_001424028.1); c.1232G>A, p.Gly411Asp (NM_001424013.1); c.1193G>A, p.Gly398Asp (NM_001424015.1); c.1103G>A, p.Gly368Asp (NM_001424017.1); c.1043G>A, p.Gly348Asp (NM_001424018.1, NM_001424020.1, NM_001424022.1); c.1037G>A, p.Gly346Asp (NM_001424021.1); c.281G>A, p.Gly94Asp (NM_001424030.1); short protein forms G368D, G346D, G348D, G94D, G304D, G369D, G398D, G411D.
Identifiers: ClinVar variation 4992929 (VCV004992929.1).

ClinVar aggregate classification (germline): Uncertain significance (1 of 4 stars; one submission).

Conditions:
ACTN1-related disorder. Also called: ACTN1-related condition.

Submission:

PreventionGenetics, part of Exact Sciences
Classification: Uncertain significance for ACTN1-related condition. Last evaluated: 2025-12-16. Review status: criteria provided, single submitter. Criteria: ACMG Guidelines, 2015. Collection method: clinical testing. Allele origin: germline.
Comment: The ACTN1 c.1106G>A variant is predicted to result in the amino acid substitution p.Gly369Asp. To our knowledge, this variant has not been reported in the literature or in a large population database (gnomAD), indicating this variant is rare. At this time, the clinical significance of this variant is uncertain due to the absence of conclusive functional and genetic evidence.